The following is an entry in ClinVar:

NM_000051.4(ATM):c.7915A>C (p.Lys2639Gln)

Genes: ATM (ATM serine/threonine kinase; plus strand), C11orf65 (chromosome 11 open reading frame 65; minus strand). Cytogenetic location: 11q22.3.
Variant type: single nucleotide variant.
Coding change: c.7915A>C on transcript NM_000051.4 (MANE Select); coding-DNA position 7915, A replaced by C.
Protein change: p.Lys2639Gln; replaces lysine 2639 with glutamine.
Molecular consequence: missense variant. On other transcripts: intron variant (2).
Genome position (GRCh38, 1-based): chr11:108,332,888, A>C. VCF-style: chr11-108332888-A-C. GRCh37 (hg19) VCF-style: chr11-108203615-A-C.
Other names: c.7915A>C, p.Lys2639Gln (NM_001351834.2); c.641-23817T>G (NM_001330368.2); c.*38+2332T>G (NM_001351110.2); short protein forms K2639Q.
Identifiers: ClinVar variation 4169287 (VCV004169287.1).

ClinVar aggregate classification (germline): Likely pathogenic (1 of 4 stars; one submission).

Conditions:
Hereditary cancer-predisposing syndrome. Also called: Neoplastic Syndromes, Hereditary; Tumor predisposition; Hereditary neoplastic syndrome; Hereditary Cancer Syndrome. Identifiers: Orphanet 140162, MedGen C0027672, MeSH D009386, MONDO:0015356.

Submission:

Ambry Genetics
Classification: Likely pathogenic for Hereditary cancer-predisposing syndrome. Last evaluated: 2025-07-24. Review status: criteria provided, single submitter. Criteria: Ambry Variant Classification Scheme 2023. Collection method: clinical testing. Allele origin: germline.
Comment: The c.7915A>C variant (also known as p.K2639Q), located in coding exon 52 of the ATM gene, results from an A to C substitution at nucleotide position 7915. The lysine at codon 2639 is replaced by glutamine, an amino acid with similar properties. This variant is considered to be rare based on population cohorts in the Genome Aggregation Database (gnomAD). This nucleotide position is highly conserved in available vertebrate species. In silico splice site analysis for this alteration is inconclusive. RNA studies have demonstrated that this alteration results in abnormal splicing in the set of samples tested (Ambry internal data). Based on the majority of available evidence to date, this variant is likely to be pathogenic.